The following is an entry in ClinVar:

NM_004448.4(ERBB2):c.590C>T (p.Pro197Leu)

Gene: ERBB2 (erb-b2 receptor tyrosine kinase 2; plus strand). Cytogenetic location: 17q12.
Variant type: single nucleotide variant.
Coding change: c.590C>T on transcript NM_004448.4 (MANE Select); coding-DNA position 590, C replaced by T.
Protein change: p.Pro197Leu; replaces proline 197 with leucine.
Molecular consequence: missense variant. On other transcripts: non-coding transcript variant (1), intron variant (2).
Genome position (GRCh38, 1-based): chr17:39,709,828, C>T. VCF-style: chr17-39709828-C-T. GRCh37 (hg19) VCF-style: chr17-37866081-C-T.
Other names: c.500C>T, p.Pro167Leu (NM_001005862.3, NM_001289938.2, NM_001382782.1 and 1 more transcripts); c.545C>T, p.Pro182Leu (NM_001289936.2); c.590C>T, p.Pro197Leu (NM_001289937.2, NM_001382784.1, NM_001382785.1 and 17 more transcripts); c.665C>T, p.Pro222Leu (NM_001382787.1); c.440-30C>T (NM_001382799.1); c.74-2100C>T (NM_001382804.1); c.581C>T, p.Pro194Leu (NM_001382791.1); short protein forms P167L, P197L, P222L, P182L, P194L.
Identifiers: ClinVar variation 2176096 (VCV002176096.4), dbSNP rs113619125, ClinGen allele CA8533669.

ClinVar aggregate classification (germline): Uncertain significance (1 of 4 stars; one submission).

Allele frequency attached by ClinVar (database versions not stated): gnomAD exomes 0.00002; ExAC 0.00003; 1000 Genomes Project 30x 0.00016; 1000 Genomes Project 0.00020; gnomAD 0.00001; TOPMed 0.00001.
gnomAD v4.1: 25 of 1,613,300 alleles (0.0015%); highest among the groups gnomAD compares: African/African-American, 0.0027%; no homozygotes.

Submission:

Labcorp Genetics (formerly Invitae), Labcorp
Classification: Uncertain significance. Last evaluated: 2023-05-20. Review status: criteria provided, single submitter. Criteria: Invitae Variant Classification Sherloc (09022015). Collection method: clinical testing. Allele origin: germline.
Comment: This sequence change replaces proline, which is neutral and non-polar, with leucine, which is neutral and non-polar, at codon 197 of the ERBB2 protein (p.Pro197Leu). This variant is present in population databases (rs113619125, gnomAD 0.007%). In summary, the available evidence is currently insufficient to determine the role of this variant in disease. Therefore, it has been classified as a Variant of Uncertain Significance. Advanced modeling of protein sequence and biophysical properties (such as structural, functional, and spatial information, amino acid conservation, physicochemical variation, residue mobility, and thermodynamic stability) performed at Invitae indicates that this missense variant is not expected to disrupt ERBB2 protein function. ClinVar contains an entry for this variant (Variation ID: 2176096). This variant has not been reported in the literature in individuals affected with ERBB2-related conditions.